The following is an entry in ClinVar:

NM_001204062.2(COMMD3-BMI1):c.541T>G (p.Phe181Val)

Genes: BMI1 (BMI1 proto-oncogene, polycomb ring finger; plus strand), COMMD3-BMI1 (COMMD3-BMI1 readthrough; plus strand). Cytogenetic location: 10p12.2.
Variant type: single nucleotide variant.
Coding change: c.541T>G on transcript NM_001204062.2; coding-DNA position 541, T replaced by G.
Protein change: p.Phe181Val; replaces phenylalanine 181 with valine.
Molecular consequence: missense variant.
Genome position (GRCh38, 1-based): chr10:22,326,561, T>G. VCF-style: chr10-22326561-T-G. GRCh37 (hg19) VCF-style: chr10-22615490-T-G.
Other names: c.112T>G, p.Phe38Val (NM_005180.9); short protein forms F38V, F181V.
Identifiers: ClinVar variation 931408 (VCV000931408.3), dbSNP rs1836156437, ClinGen allele CA376132333.

ClinVar aggregate classification (germline): Uncertain significance (1 of 4 stars; one submission).

Submission:

Centre for Mendelian Genomics, University Medical Centre Ljubljana
Classification: Uncertain significance. Last evaluated: 2018-11-26. Review status: criteria provided, single submitter. Criteria: ACMG Guidelines, 2015. Collection method: clinical testing. Allele origin: unknown. Affected: yes.
Comment: This variant was classified as: Uncertain significance. The available evidence on this variant's pathogenicity is insufficient or conflicting. The following ACMG criteria were applied in classifying this variant: PM2.